The following is an entry in ClinVar:

ClinVar aggregate classification (germline): Uncertain significance (1 of 4 stars; one submission).

Conditions:
Hereditary cancer-predisposing syndrome. Also called: Neoplastic Syndromes, Hereditary; Tumor predisposition; Hereditary neoplastic syndrome; Hereditary Cancer Syndrome. Identifiers: Orphanet 140162, MedGen C0027672, MeSH D009386, MONDO:0015356.

Submission:

Ambry Genetics
Classification: Uncertain significance for Hereditary cancer-predisposing syndrome. Last evaluated: 2026-07-06. Review status: criteria provided, single submitter. Criteria: Ambry Variant Classification Scheme 2023. Collection method: clinical testing. Allele origin: germline.
Comment: The p.G1471C variant (also known as c.4411G>T), located in coding exon 12 of the BRCA1 gene, results from a G to T substitution at nucleotide position 4411. The glycine at codon 1471 is replaced by cysteine, an amino acid with highly dissimilar properties. This amino acid position is conserved. In addition, this alteration is predicted to be tolerated by in silico analysis. Based on the available evidence, the clinical significance of this variant remains unclear.

NM_007294.4(BRCA1):c.4411G>T (p.Gly1471Cys)

Gene: BRCA1 (BRCA1 DNA repair associated; minus strand). Cytogenetic location: 17q21.31.
Variant type: single nucleotide variant.
Coding change: c.4411G>T on transcript NM_007294.4 (MANE Select); coding-DNA position 4411, G replaced by T.
Protein change: p.Gly1471Cys; replaces glycine 1471 with cysteine.
Molecular consequence: missense variant. On other transcripts: intron variant (3).
Genome position (GRCh38, 1-based): chr17:43,076,561, C>A on the plus strand (G>T on the coding strand, the complement: BRCA1 is on the minus strand). VCF-style: chr17-43076561-C-A. GRCh37 (hg19) VCF-style: chr17-41228578-C-A.
Other names: c.979G>T, p.Gly327Cys (NM_001408430.1, NM_001408431.1, NM_001408425.1 and 4 more transcripts); c.976G>T, p.Gly326Cys (NM_001408432.1, NM_001408433.1, NM_001408434.1 and 10 more transcripts); c.1099G>T, p.Gly367Cys (NM_001407986.1, NM_001407990.1, NM_001407991.1 and 12 more transcripts); c.1096G>T, p.Gly366Cys (NM_001408392.1, NM_001408396.1, NM_001408397.1 and 8 more transcripts); c.1027G>T, p.Gly343Cys (NM_001408410.1); c.1024G>T, p.Gly342Cys (NM_001408411.1); c.1021G>T, p.Gly341Cys (NM_001408412.1, NM_001408413.1, NM_001408414.1 and 2 more transcripts); c.985G>T, p.Gly329Cys (NM_001408418.1, NM_001408419.1, NM_001408420.1); and 71 more; short protein forms G200C, G240C, G241C, G255C, G259C, G280C, G288C, G300C.
Identifiers: ClinVar variation 5033178 (VCV005033178.1).